The following is an entry in ClinVar:

NM_001318510.2(ACSL4):c.872C>A (p.Ser291Tyr)

Gene: ACSL4 (acyl-CoA synthetase long chain family member 4; minus strand). Cytogenetic location: Xq23.
Variant type: single nucleotide variant.
Coding change: c.872C>A on transcript NM_001318510.2 (MANE Select); coding-DNA position 872, C replaced by A.
Protein change: p.Ser291Tyr; replaces serine 291 with tyrosine.
Molecular consequence: missense variant.
Genome position (GRCh38, 1-based): chrX:109,678,046, G>T on the plus strand (C>A on the coding strand, the complement: ACSL4 is on the minus strand). VCF-style: chrX-109678046-G-T. GRCh37 (hg19) VCF-style: chrX-108921275-G-T.
Other names: c.995C>A, p.Ser332Tyr (NM_001318509.2, NM_001437245.1, NM_001437247.1 and 2 more transcripts); c.872C>A, p.Ser291Tyr (NM_001437250.1, NM_001437251.1, NM_001437252.1 and 2 more transcripts); short protein forms S291Y, S332Y.
Identifiers: ClinVar variation 4538918 (VCV004538918.1).

ClinVar aggregate classification (germline): Uncertain significance (1 of 4 stars; one submission).

Submission:

GeneDx
Classification: Uncertain significance. Last evaluated: 2025-06-18. Review status: criteria provided, single submitter. Criteria: GeneDx Variant Classification Process June 2021. Collection method: clinical testing. Allele origin: germline. Affected: yes.
Comment: Published functional studies suggest this variant results in a small change in synthetase activity; however, additional studies are needed to validate the functional effect of this variant in vivo (PMID: 17110164); Has not been previously reported as pathogenic or benign in association with ACSL4-related disorders to our knowledge; Not observed at significant frequency in large population cohorts (gnomAD); In silico analysis suggests that this missense variant does not alter protein structure/function; This variant is associated with the following publications: (PMID: 17110164)